The following is an entry in ClinVar:

ClinVar aggregate classification (germline): Uncertain significance (1 of 4 stars; one submission).

Submission:

GeneDx
Classification: Uncertain significance. Last evaluated: 2019-12-06. Review status: criteria provided, single submitter. Criteria: GeneDx Variant Classification Process June 2021. Collection method: clinical testing. Allele origin: germline. Affected: yes.
Comment: Not observed in large population cohorts (Lek et al., 2016); In silico analysis, which includes protein predictors and evolutionary conservation, supports a deleterious effect; Has not been previously published as pathogenic or benign to our knowledge

NM_016938.5(EFEMP2):c.595C>A (p.Arg199Ser)

Gene: EFEMP2 (EGF containing fibulin extracellular matrix protein 2; minus strand). Cytogenetic location: 11q13.1.
Variant type: single nucleotide variant.
Coding change: c.595C>A on transcript NM_016938.5 (MANE Select); coding-DNA position 595, C replaced by A.
Protein change: p.Arg199Ser; replaces arginine 199 with serine.
Molecular consequence: missense variant. On other transcripts: non-coding transcript variant (1).
Genome position (GRCh38, 1-based): chr11:65,870,133, G>T on the plus strand (C>A on the coding strand, the complement: EFEMP2 is on the minus strand). VCF-style: chr11-65870133-G-T. GRCh37 (hg19) VCF-style: chr11-65637604-G-T.
Other names: short protein forms R199S.
Identifiers: ClinVar variation 1311097 (VCV001311097.2), dbSNP rs766531680, ClinGen allele CA381360297.